The following is an entry in ClinVar:

NM_001206641.3(COA6):c.212+92A>G

Gene: COA6 (cytochrome c oxidase assembly factor 6; plus strand). Cytogenetic location: 1q42.2.
Variant type: single nucleotide variant.
Coding change: c.212+92A>G on transcript NM_001206641.3 (MANE Select); 92 bases into the intron after coding-DNA position 212, A replaced by G.
Molecular consequence: intron variant. On other transcripts: missense variant (1), 5 prime UTR variant (1).
Genome position (GRCh38, 1-based): chr1:234,373,770, A>G. VCF-style: chr1-234373770-A-G. GRCh37 (hg19) VCF-style: chr1-234509516-A-G.
Other names: c.52A>G, p.Lys18Glu (NM_001012985.2); c.-476A>G (NM_001301733.1); short protein forms K18E.
Identifiers: ClinVar variation 3603226 (VCV003603226.1).

ClinVar aggregate classification (germline): Uncertain significance (1 of 4 stars; one submission).

gnomAD v4.1: 1 of 1,613,774 alleles (0.000062%); highest among the groups gnomAD compares: Non-Finnish European, 0.000085%; no homozygotes.

Submission:

GeneDx
Classification: Uncertain significance. Last evaluated: 2024-08-06. Review status: criteria provided, single submitter. Criteria: GeneDx Variant Classification Process June 2021. Collection method: clinical testing. Allele origin: germline. Affected: yes.
Comment: Not observed at significant frequency in large population cohorts (gnomAD); In silico analysis indicates that this missense variant does not alter protein structure/function; Has not been previously published as pathogenic or benign to our knowledge